The following is an entry in ClinVar:

ClinVar aggregate classification (germline): Uncertain significance. Review status: criteria provided, multiple submitters, no conflicts (2 of 4 stars). 2 submissions from 2 submitters: Uncertain significance (2). Last evaluated 2025-07-04.

Conditions:
Intellectual developmental disorder, autosomal dominant 1. Also called: MBD5 Haploinsufficiency; Intellectual disability, autosomal dominant 1. Identifiers: Orphanet 228402, MedGen C1969562, MONDO:0007974, OMIM 156200.

Submissions (2):

Dasa
Classification: Uncertain significance. Last evaluated: 2025-07-04. Review status: criteria provided, single submitter. Criteria: DASA Assertion Criteria. Collection method: clinical testing. Allele origin: germline.
Comment: NM_001378120.1(MBD5):c.5036A>G (p.Lys1679Arg) is a missense variant that results in the substitution of lysine with arginine. This variant is absent from population databases. Computational prediction algorithms are consistent with a benign effect. The currently available literature and clinical evidence are not sufficient to establish a definitive association between this variant and the reported condition. Therefore, this variant is classified as a variant of uncertain significance.

Labcorp Genetics (formerly Invitae), Labcorp
Classification: Uncertain significance for Intellectual developmental disorder, autosomal dominant 1. Last evaluated: 2025-02-25. Review status: criteria provided, single submitter. Criteria: Invitae Variant Classification Sherloc (09022015). Collection method: clinical testing. Allele origin: germline.
Comment: This sequence change replaces lysine, which is basic and polar, with arginine, which is basic and polar, at codon 1446 of the MBD5 protein (p.Lys1446Arg). This variant is not present in population databases (gnomAD no frequency). This variant has not been reported in the literature in individuals affected with MBD5-related conditions. Experimental studies and prediction algorithms are not available or were not evaluated, and the functional significance of this variant is currently unknown. In summary, the available evidence is currently insufficient to determine the role of this variant in disease. Therefore, it has been classified as a Variant of Uncertain Significance.

NM_001378120.1(MBD5):c.5036A>G (p.Lys1679Arg)

Gene: MBD5 (methyl-CpG binding domain protein 5; plus strand). Cytogenetic location: 2q23.1.
Variant type: single nucleotide variant.
Coding change: c.5036A>G on transcript NM_001378120.1 (MANE Select); coding-DNA position 5036, A replaced by G.
Protein change: p.Lys1679Arg; replaces lysine 1679 with arginine.
Molecular consequence: missense variant.
Genome position (GRCh38, 1-based): chr2:148,502,509, A>G. VCF-style: chr2-148502509-A-G. GRCh37 (hg19) VCF-style: chr2-149260078-A-G.
Other names: c.4337A>G, p.Lys1446Arg (NM_018328.5); short protein forms K1446R, K1679R.
Identifiers: ClinVar variation 3710343 (VCV003710343.4).